The following is an entry in ClinVar:

ClinVar aggregate classification (germline): Uncertain significance (1 of 4 stars; one submission).

Allele frequency attached by ClinVar (database versions not stated): gnomAD exomes below 0.00001.
gnomAD v4.1: 1 of 1,614,134 alleles (0.000062%); highest among the groups gnomAD compares: Non-Finnish European, 0.000085%; no homozygotes.

Submission:

Ambry Genetics
Classification: Uncertain significance. Last evaluated: 2025-09-10. Review status: criteria provided, single submitter. Criteria: Ambry Variant Classification Scheme 2023. Collection method: clinical testing. Allele origin: germline.
Comment: The p.T827A variant (also known as c.2479A>G), located in coding exon 23 of the KIF1B gene, results from an A to G substitution at nucleotide position 2479. The threonine at codon 827 is replaced by alanine, an amino acid with similar properties. This amino acid position is conserved. In addition, this alteration is predicted to be tolerated by in silico analysis. Since supporting evidence is limited at this time, the clinical significance of this alteration remains unclear.

NM_001365951.3(KIF1B):c.2617A>G (p.Thr873Ala)

Gene: KIF1B (kinesin family member 1B; plus strand). Cytogenetic location: 1p36.22.
Variant type: single nucleotide variant.
Coding change: c.2617A>G on transcript NM_001365951.3 (MANE Select); coding-DNA position 2617, A replaced by G.
Protein change: p.Thr873Ala; replaces threonine 873 with alanine.
Molecular consequence: missense variant.
Genome position (GRCh38, 1-based): chr1:10,324,837, A>G. VCF-style: chr1-10324837-A-G. GRCh37 (hg19) VCF-style: chr1-10384895-A-G.
Other names: c.2479A>G, p.Thr827Ala (NM_015074.3); c.2617A>G, p.Thr873Ala (NM_001365952.1); short protein forms T827A, T873A.
Identifiers: ClinVar variation 1791873 (VCV001791873.3), dbSNP rs1486201239, ClinGen allele CA338335703.